The following is an entry in ClinVar:

NM_004999.4(MYO6):c.3176G>C (p.Arg1059Thr)

Gene: MYO6 (myosin VI; plus strand). Cytogenetic location: 6q14.1.
Variant type: single nucleotide variant.
Coding change: c.3176G>C on transcript NM_004999.4 (MANE Select); coding-DNA position 3176, G replaced by C.
Protein change: p.Arg1059Thr; replaces arginine 1059 with threonine.
Molecular consequence: missense variant. On other transcripts: intron variant (4).
Genome position (GRCh38, 1-based): chr6:75,898,411, G>C. VCF-style: chr6-75898411-G-C. GRCh37 (hg19) VCF-style: chr6-76608128-G-C.
Other names: c.3203G>C, p.Arg1068Thr (NM_001368865.1, NM_001368866.1); c.3164+3151G>C (NM_001368137.1); c.3107+5721G>C (NM_001300899.2, NM_001368136.1); c.3092+5721G>C (NM_001368138.1); short protein forms R1059T, R1068T.
Identifiers: ClinVar variation 45153 (VCV000045153.30), dbSNP rs202214380, ClinGen allele CA135623.
Genomic context (GRCh38, chr6:75,898,411, plus strand): 5'-TGTATTATCGTTTTTCTTGTAGGGAACAAATGGCCAAAGAAATGTCAGAATTTTTGAGTA[G>C]GTTAGTGCAGTGTAATTGGGGGAAATAAGTGTTCACCTCAAAATCATATTTTTAAATTAC-3'
Protein context (NP_004990.3, residues 1049-1069): MAKEMSEFLS[Arg1059Thr]GPAVLATKAA

ClinVar aggregate classification (germline): Conflicting classifications of pathogenicity. Review status: criteria provided, conflicting classifications (1 of 4 stars). 12 submissions from 11 submitters: Uncertain significance (8); Likely benign (2). 2 of the submissions do not count toward it. Last evaluated 2026-09-15.

Conditions:
MYO6-related disorder. Also called: MYO6-related condition; MYO6-related disorders.
Male infertility. Identifiers: MedGen C0021364, MeSH D007248, MONDO:0005372, HP:0003251.
Infertility disorder. Also called: Infertility. Identifiers: MedGen C0021359, MeSH D007246, MONDO:0005047, HP:0000789.
Autosomal recessive nonsyndromic hearing loss 37. Identifiers: Orphanet 90636, MedGen C1843028, MONDO:0011912, OMIM 607821.
Autosomal dominant nonsyndromic hearing loss 22. Also called: DFNA 22; Autosomal dominant nonsyndromic deafness 22. Identifiers: Orphanet 228012, MedGen C2931767, MONDO:0011660, OMIM 606346.
Hearing impairment. Also called: Impaired Hearing. Identifiers: MedGen C1384666, MONDO:0005365, HP:0000365.

Allele frequency attached by ClinVar (database versions not stated): ESP Exome Variant Server 0.00008; gnomAD 0.00019 and 0.00020; TOPMed 0.00020.
gnomAD v4.1: 283 of 1,608,300 alleles (0.018%); highest among the groups gnomAD compares: Middle Eastern, 0.033%; 1 homozygote.

Submissions (12):

PreventionGenetics, part of Exact Sciences
Classification: Uncertain significance for MYO6-related condition. Last evaluated: 2026-09-15. Review status: criteria provided, single submitter. Criteria: ACMG Guidelines, 2015. Collection method: clinical testing. Allele origin: germline.
Comment: The MYO6 c.3176G>C variant is predicted to result in the amino acid substitution p.Arg1059Thr. To our knowledge, this variant has not been reported in the literature. This variant is reported in 0.034% of alleles in individuals of European (Non-Finnish) descent in gnomAD, including one homozygote in the larger gnomAD v4.1.1 database. Although we suspect that this variant may be benign, at this time, the clinical significance of this variant is uncertain due to the absence of conclusive functional and genetic evidence.

CeGaT Center for Human Genetics Tuebingen
Classification: Likely benign. Last evaluated: 2026-02-01. Review status: criteria provided, single submitter. Criteria: CeGaT Center For Human Genetics Tuebingen Variant Classification Criteria Version 2. Collection method: clinical testing. Allele origin: germline. Affected: yes. Observed: 2 variant alleles.
Comment: MYO6: BS2

GeneDx
Classification: Uncertain significance. Last evaluated: 2025-12-15. Review status: criteria provided, single submitter. Criteria: GeneDx Variant Classification Process June 2021. Collection method: clinical testing. Allele origin: germline.
Comment: Has not been previously published as pathogenic or benign to our knowledge; In silico analysis suggests that this missense variant does not alter protein structure/function

Labcorp Genetics (formerly Invitae), Labcorp
Classification: Uncertain significance. Last evaluated: 2025-11-05. Review status: criteria provided, single submitter. Criteria: Invitae Variant Classification Sherloc (09022015). Collection method: clinical testing. Allele origin: germline.
Comment: This sequence change replaces arginine, which is basic and polar, with threonine, which is neutral and polar, at codon 1059 of the MYO6 protein (p.Arg1059Thr). This variant also falls at the last nucleotide of exon 30, which is part of the consensus splice site for this exon. This variant is present in population databases (rs202214380, gnomAD 0.04%). This variant has not been reported in the literature in individuals affected with MYO6-related conditions. ClinVar contains an entry for this variant (Variation ID: 45153). An algorithm developed to predict the effect of missense changes on protein structure and function (PolyPhen-2) suggests that this variant is likely to be tolerated. Variants that disrupt the consensus splice site are a relatively common cause of aberrant splicing (PMID: 17576681, 9536098). Algorithms developed to predict the effect of sequence changes on RNA splicing suggest that this variant may disrupt the consensus splice site. In summary, the available evidence is currently insufficient to determine the role of this variant in disease. Therefore, it has been classified as a Variant of Uncertain Significance.

Blueprint Genetics
Classification: Uncertain significance. Last evaluated: 2024-11-19. Review status: criteria provided, single submitter. Criteria: ACMG Guidelines, 2015. Collection method: clinical testing. Allele origin: germline.

Department of Otolaryngology – Head & Neck Surgery, Cochlear Implant Center
Classification: Uncertain significance for Hearing impairment. Last evaluated: 2021-04-12. Review status: criteria provided, single submitter. Criteria: ClinGen HL ACMG Specifications v1. Collection method: clinical testing. Allele origin: germline. Affected: yes.
Comment: PVS1_Strong, PM2_Supporting

Illumina Laboratory Services, Illumina
Classification: Likely benign for Autosomal dominant nonsyndromic hearing loss 22. Last evaluated: 2017-04-27. Review status: criteria provided, single submitter. Criteria: ICSL Variant Classification Criteria 13 December 2019. Collection method: clinical testing. Allele origin: germline.
Comment: This variant was observed as part of a predisposition screen in an ostensibly healthy population. A literature search was performed for the gene, cDNA change, and amino acid change (where applicable). No publications were found based on this search. Allele frequency data from public databases allowed determination this variant is unlikely to cause disease. Therefore, this variant is classified as likely benign.

Illumina Laboratory Services, Illumina
Classification: Uncertain significance for Autosomal recessive nonsyndromic hearing loss 37. Last evaluated: 2017-04-27. Review status: criteria provided, single submitter. Criteria: ICSL Variant Classification Criteria 13 December 2019. Collection method: clinical testing. Allele origin: germline.

Laboratory for Molecular Medicine, Mass General Brigham Personalized Medicine
Classification: Uncertain significance. Last evaluated: 2017-01-26. Review status: criteria provided, single submitter. Criteria: LMM Criteria. Collection method: clinical testing. Allele origin: germline. Observed: 5 variant alleles.
Comment: The p.Arg1059Thr variant in MYO6 has now been identified by our laboratory in fo ur individuals with hearing loss; however, it was not clear whether the variant was responsible for the hearing loss due to the absence of a second MYO6 variant or a reported dominant family history. This variant has been identified in 0.03 % (21/66526) of European chromosomes by the Exome Aggregation Consortium (ExAC; dbSNP rs202214380). Although this variant has be en seen in the general population, its frequency is not high enough to rule out a pathogenic role. Computational prediction tools and conservation analysis do n ot provide strong support for or against an impact on the protein. This variant is located in the 5' splice consensus sequence. Computational tools suggest a po ssible impact to splicing, though this information is not predictive enough to d etermine pathogenicity. In summary, the clinical significance of the p.Arg1059Th r variant is uncertain.

Centre for Mendelian Genomics, University Medical Centre Ljubljana
Classification: Uncertain significance for Infertility disorder; Male infertility. Last evaluated: 2017-01-01. Review status: criteria provided, single submitter. Criteria: ACMG Guidelines, 2015. Collection method: clinical testing. Allele origin: unknown. Affected: yes.

Clinical Genetics DNA and cytogenetics Diagnostics Lab, Erasmus MC, Erasmus Medical Center
Classification: Uncertain significance. Review status: no assertion criteria provided. Collection method: clinical testing. Allele origin: germline. Affected: yes. Study: VKGL Data-share Consensus. Not counted in ClinVar's aggregate classification.

Joint Genome Diagnostic Labs from Nijmegen and Maastricht, Radboudumc and MUMC+
Classification: Uncertain significance. Review status: no assertion criteria provided. Collection method: clinical testing. Allele origin: germline. Affected: yes. Study: VKGL Data-share Consensus. Not counted in ClinVar's aggregate classification.

Literature cited by the submitters: PubMed 17576681 (cited by Labcorp Genetics (formerly Invitae), Labcorp); PubMed 9536098 (cited by Labcorp Genetics (formerly Invitae), Labcorp).